The following is an entry in ClinVar:

ClinVar aggregate classification (germline): Uncertain significance (1 of 4 stars; one submission).

Allele frequency attached by ClinVar (database versions not stated): gnomAD exomes 0.00001; TOPMed 0.00002; ExAC 0.00001.
gnomAD v4.1: 2 of 1,614,124 alleles (0.00012%); highest among the groups gnomAD compares: Admixed American, 0.0033%; no homozygotes.

Submission:

Labcorp Genetics (formerly Invitae), Labcorp
Classification: Uncertain significance. Last evaluated: 2026-01-22. Review status: criteria provided, single submitter. Criteria: Invitae Variant Classification Sherloc (09022015). Collection method: clinical testing. Allele origin: germline.
Comment: This sequence change replaces asparagine, which is neutral and polar, with histidine, which is basic and polar, at codon 3234 of the KMT2A protein (p.Asn3234His). This variant is present in population databases (rs781889756, gnomAD 0.006%). This variant has not been reported in the literature in individuals affected with KMT2A-related conditions. ClinVar contains an entry for this variant (Variation ID: 1437251). Invitae Evidence Modeling of protein sequence and biophysical properties (such as structural, functional, and spatial information, amino acid conservation, physicochemical variation, residue mobility, and thermodynamic stability) indicates that this missense variant is not expected to disrupt KMT2A protein function with a negative predictive value of 95%. In summary, the available evidence is currently insufficient to determine the role of this variant in disease. Therefore, it has been classified as a Variant of Uncertain Significance.

NM_001197104.2(KMT2A):c.9700A>C (p.Asn3234His)

Gene: KMT2A (lysine methyltransferase 2A; plus strand). Cytogenetic location: 11q23.3.
Variant type: single nucleotide variant.
Coding change: c.9700A>C on transcript NM_001197104.2 (MANE Select); coding-DNA position 9700, A replaced by C.
Protein change: p.Asn3234His; replaces asparagine 3234 with histidine.
Molecular consequence: missense variant.
Genome position (GRCh38, 1-based): chr11:118,505,592, A>C. VCF-style: chr11-118505592-A-C. GRCh37 (hg19) VCF-style: chr11-118376307-A-C.
Other names: c.9691A>C, p.Asn3231His (NM_005933.4); short protein forms N3231H, N3234H.
Identifiers: ClinVar variation 1437251 (VCV001437251.8), dbSNP rs781889756, ClinGen allele CA6304631.